The following is an entry in ClinVar:

NM_032119.4(ADGRV1):c.6884C>T (p.Ala2295Val)

Gene: ADGRV1 (adhesion G protein-coupled receptor V1; plus strand). Cytogenetic location: 5q14.3.
Variant type: single nucleotide variant.
Coding change: c.6884C>T on transcript NM_032119.4 (MANE Select); coding-DNA position 6884, C replaced by T.
Protein change: p.Ala2295Val; replaces alanine 2295 with valine.
Molecular consequence: missense variant.
Genome position (GRCh38, 1-based): chr5:90,690,974, C>T. VCF-style: chr5-90690974-C-T. GRCh37 (hg19) VCF-style: chr5-89986791-C-T.
Other names: short protein forms A2295V.
Identifiers: ClinVar variation 593579 (VCV000593579.6), dbSNP rs1247514195, ClinGen allele CA360368511.

ClinVar aggregate classification (germline): Uncertain significance. Review status: criteria provided, multiple submitters, no conflicts (2 of 4 stars). 2 submissions from 2 submitters: Uncertain significance (2). Last evaluated 2021-12-19.

Allele frequency attached by ClinVar (database versions not stated): gnomAD 0.00001; gnomAD exomes 0.00001 and 0.00002; TOPMed 0.00001.
gnomAD v4.1: 24 of 1,613,694 alleles (0.0015%); highest among the groups gnomAD compares: Non-Finnish European, 0.002%; no homozygotes.

Submissions (2):

Labcorp Genetics (formerly Invitae), Labcorp
Classification: Uncertain significance. Last evaluated: 2021-12-19. Review status: criteria provided, single submitter. Criteria: Invitae Variant Classification Sherloc (09022015). Collection method: clinical testing. Allele origin: germline.
Comment: This sequence change replaces alanine, which is neutral and non-polar, with valine, which is neutral and non-polar, at codon 2295 of the ADGRV1 protein (p.Ala2295Val). This variant is present in population databases (no rsID available, gnomAD 0.002%). This variant has not been reported in the literature in individuals affected with ADGRV1-related conditions. ClinVar contains an entry for this variant (Variation ID: 593579). Algorithms developed to predict the effect of missense changes on protein structure and function are either unavailable or do not agree on the potential impact of this missense change (SIFT: "Tolerated"; PolyPhen-2: "Possibly Damaging"; Align-GVGD: "Class C0"). In summary, the available evidence is currently insufficient to determine the role of this variant in disease. Therefore, it has been classified as a Variant of Uncertain Significance.

Eurofins Ntd Llc (ga)
Classification: Uncertain significance. Last evaluated: 2017-08-23. Review status: criteria provided, single submitter. Criteria: EGL Classification Definitions 2015. Collection method: clinical testing. Allele origin: germline. Observed: 1 variant allele, 1 heterozygote.